The following is an entry in ClinVar:

ClinVar aggregate classification (germline): Uncertain significance (1 of 4 stars; one submission).

Conditions:
Malignant hyperthermia, susceptibility to, 1 (MHS1). Also called: RYR1-Related Malignant Hyperthermia Susceptibility; Malignant hyperthermia suceptibility 1; Anesthesia related hyperthermia; Malignant hyperpyrexia; Fulminating hyperpyrexia; Pharmacogenic myopathy. Identifiers: Orphanet 423, MedGen C2930980, MONDO:0007783, OMIM 145600.

gnomAD v4.1: 3 of 1,614,026 alleles (0.00019%); highest among the groups gnomAD compares: Non-Finnish European, 0.00025%; no homozygotes.

Submission:

Color Diagnostics, LLC DBA Color Health
Classification: Uncertain significance for Malignant hyperthermia, susceptibility to, 1. Last evaluated: 2025-10-06. Review status: criteria provided, single submitter. Criteria: ACMG Guidelines, 2015. Collection method: clinical testing. Allele origin: germline.
Comment: This missense variant replaces methionine with valine at codon 3723 of the RYR1 protein. Computational prediction suggests that this variant may not impact protein structure and function. To our knowledge, functional studies have not been reported for this variant. This variant has not been reported in individuals affected with RYR1-related disorders in the literature. This variant has been identified in 3/1614026 chromosomes in the general population by the Genome Aggregation Database (gnomAD). The available evidence is insufficient to determine the role of this variant in disease conclusively. Therefore, this variant is classified as a Variant of Uncertain Significance.

NM_000540.3(RYR1):c.11167A>G (p.Met3723Val)

Gene: RYR1 (ryanodine receptor 1; plus strand). Cytogenetic location: 19q13.2.
Variant type: single nucleotide variant.
Coding change: c.11167A>G on transcript NM_000540.3 (MANE Select); coding-DNA position 11167, A replaced by G.
Protein change: p.Met3723Val; replaces methionine 3723 with valine.
Molecular consequence: missense variant.
Genome position (GRCh38, 1-based): chr19:38,532,515, A>G. VCF-style: chr19-38532515-A-G. GRCh37 (hg19) VCF-style: chr19-39023155-A-G.
Other names: c.11152A>G, p.Met3718Val (NM_001042723.2); short protein forms M3718V, M3723V.
Identifiers: ClinVar variation 4758130 (VCV004758130.1).